The following is an entry in ClinVar:

NM_000702.4(ATP1A2):c.1784C>T (p.Ala595Val)

Gene: ATP1A2 (ATPase Na+/K+ transporting subunit alpha 2; plus strand). Cytogenetic location: 1q23.2.
Variant type: single nucleotide variant.
Coding change: c.1784C>T on transcript NM_000702.4 (MANE Select); coding-DNA position 1784, C replaced by T.
Protein change: p.Ala595Val; replaces alanine 595 with valine.
Molecular consequence: missense variant.
Genome position (GRCh38, 1-based): chr1:160,130,554, C>T. VCF-style: chr1-160130554-C-T. GRCh37 (hg19) VCF-style: chr1-160100344-C-T.
Other names: short protein forms A595V.
Identifiers: ClinVar variation 1513322 (VCV001513322.6), dbSNP rs1211758102, ClinGen allele CA343244440.

ClinVar aggregate classification (germline): Uncertain significance (1 of 4 stars; one submission).

Conditions:
Familial hemiplegic migraine. Identifiers: MedGen C0338484, MONDO:0000700.

Allele frequency attached by ClinVar (database versions not stated): gnomAD exomes below 0.00001.
gnomAD v4.1: 2 of 1,614,218 alleles (0.00012%); no homozygotes.

Submission:

Labcorp Genetics (formerly Invitae), Labcorp
Classification: Uncertain significance for Familial hemiplegic migraine. Last evaluated: 2025-10-02. Review status: criteria provided, single submitter. Criteria: Invitae Variant Classification Sherloc (09022015). Collection method: clinical testing. Allele origin: germline.
Comment: This sequence change replaces alanine, which is neutral and non-polar, with valine, which is neutral and non-polar, at codon 595 of the ATP1A2 protein (p.Ala595Val). This variant is present in population databases (no rsID available, gnomAD 0.01%). This variant has not been reported in the literature in individuals affected with ATP1A2-related conditions. ClinVar contains an entry for this variant (Variation ID: 1513322). Invitae Evidence Modeling of protein sequence and biophysical properties (such as structural, functional, and spatial information, amino acid conservation, physicochemical variation, residue mobility, and thermodynamic stability) indicates that this missense variant is expected to disrupt ATP1A2 protein function with a positive predictive value of 80%. In summary, the available evidence is currently insufficient to determine the role of this variant in disease. Therefore, it has been classified as a Variant of Uncertain Significance.